The following is an entry in ClinVar:

NM_001351132.2(PEX5):c.645C>A (p.Phe215Leu)

Gene: PEX5 (peroxisomal biogenesis factor 5; plus strand). Cytogenetic location: 12p13.31.
Variant type: single nucleotide variant.
Coding change: c.645C>A on transcript NM_001351132.2 (MANE Select); coding-DNA position 645, C replaced by A.
Protein change: p.Phe215Leu; replaces phenylalanine 215 with leucine.
Molecular consequence: missense variant. On other transcripts: intron variant (15).
Genome position (GRCh38, 1-based): chr12:7,202,243, C>A. VCF-style: chr12-7202243-C-A. GRCh37 (hg19) VCF-style: chr12-7354839-C-A.
Other names: c.645C>A, p.Phe215Leu (NM_000319.5, NM_001131025.2, NM_001131026.2 and 6 more transcripts); c.690C>A, p.Phe230Leu (NM_001131023.2); c.643-369C>A (NM_001351124.3, NM_001351126.2, NM_001374646.1 and 10 more transcripts); c.688-369C>A (NM_001351135.3, NM_001351138.2); short protein forms F230L, F215L.
Identifiers: ClinVar variation 1479597 (VCV001479597.8), dbSNP rs1944168456, ClinGen allele CA383722141.

ClinVar aggregate classification (germline): Uncertain significance (1 of 4 stars; one submission).

Conditions:
Peroxisome biogenesis disorder 2B (PBD2B). Identifiers: Orphanet 44, MedGen C3550234, MONDO:0008736, OMIM 202370.

Allele frequency attached by ClinVar (database versions not stated): gnomAD exomes below 0.00001.
gnomAD v4.1: 1 of 1,614,012 alleles (0.000062%); highest among the groups gnomAD compares: African/African-American, 0.0013%; no homozygotes.

Submission:

Labcorp Genetics (formerly Invitae), Labcorp
Classification: Uncertain significance for Peroxisome biogenesis disorder 2B. Last evaluated: 2021-07-12. Review status: criteria provided, single submitter. Criteria: Invitae Variant Classification Sherloc (09022015). Collection method: clinical testing. Allele origin: germline.
Comment: This sequence change replaces phenylalanine with leucine at codon 215 of the PEX5 protein (p.Phe215Leu). The phenylalanine residue is moderately conserved and there is a small physicochemical difference between phenylalanine and leucine. This variant is not present in population databases (ExAC no frequency). This variant has not been reported in the literature in individuals affected with PEX5-related conditions. Algorithms developed to predict the effect of missense changes on protein structure and function are either unavailable or do not agree on the potential impact of this missense change (SIFT: "Deleterious"; PolyPhen-2: "Possibly Damaging"; Align-GVGD: "Class C0"). In summary, the available evidence is currently insufficient to determine the role of this variant in disease. Therefore, it has been classified as a Variant of Uncertain Significance.